The following is an entry in ClinVar:

NM_022835.3(PLEKHG2):c.3292C>T (p.Pro1098Ser)

Gene: PLEKHG2 (pleckstrin homology and RhoGEF domain containing G2; plus strand). Cytogenetic location: 19q13.2.
Variant type: single nucleotide variant.
Coding change: c.3292C>T on transcript NM_022835.3 (MANE Select); coding-DNA position 3292, C replaced by T.
Protein change: p.Pro1098Ser; replaces proline 1098 with serine.
Molecular consequence: missense variant. On other transcripts: intron variant (1).
Genome position (GRCh38, 1-based): chr19:39,424,425, C>T. VCF-style: chr19-39424425-C-T. GRCh37 (hg19) VCF-style: chr19-39915065-C-T.
Other names: c.3115C>T, p.Pro1039Ser (NM_001351693.2); c.1678-813C>T (NM_001351694.2); short protein forms P1039S, P1098S.
Identifiers: ClinVar variation 1440291 (VCV001440291.6), dbSNP rs1196583746, ClinGen allele CA405805135.

ClinVar aggregate classification (germline): Uncertain significance (1 of 4 stars; one submission).

Allele frequency attached by ClinVar (database versions not stated): gnomAD exomes below 0.00001; gnomAD 0.00001.
gnomAD v4.1: 3 of 1,614,016 alleles (0.00019%); highest among the groups gnomAD compares: Admixed American, 0.0017%; no homozygotes.

Submission:

Labcorp Genetics (formerly Invitae), Labcorp
Classification: Uncertain significance. Last evaluated: 2021-09-24. Review status: criteria provided, single submitter. Criteria: Invitae Variant Classification Sherloc (09022015). Collection method: clinical testing. Allele origin: germline.
Comment: This sequence change replaces proline with serine at codon 1098 of the PLEKHG2 protein (p.Pro1098Ser). The proline residue is weakly conserved and there is a moderate physicochemical difference between proline and serine. This variant is not present in population databases (ExAC no frequency). This variant has not been reported in the literature in individuals affected with PLEKHG2-related conditions. Algorithms developed to predict the effect of missense changes on protein structure and function output the following: SIFT: "Tolerated"; PolyPhen-2: "Benign"; Align-GVGD: "Class C0". The serine amino acid residue is found in multiple mammalian species, which suggests that this missense change does not adversely affect protein function. In summary, the available evidence is currently insufficient to determine the role of this variant in disease. Therefore, it has been classified as a Variant of Uncertain Significance.